The following is an entry in ClinVar:

NM_001852.4(COL9A2):c.723del (p.Lys243fs)

Gene: COL9A2 (collagen type IX alpha 2 chain; minus strand). Cytogenetic location: 1p34.2.
Variant type: Deletion.
Coding change: c.723del on transcript NM_001852.4 (MANE Select); coding-DNA position 723, one base deleted (G; older notation c.723delG).
Protein change: p.Lys243fs; shifts the reading frame from lysine 243.
Molecular consequence: frameshift variant.
Genome position (GRCh38, 1-based): chr1:40,310,279, C deleted on the plus strand (G on the coding strand, the reverse complement: COL9A2 is on the minus strand); the first of 3 consecutive C bases (chr1:40,310,279-40,310,281); deleting any one gives the same sequence. VCF-style (leftmost placement, unchanged base first): chr1-40310278-GC-G. GRCh37 (hg19) VCF-style: chr1-40775950-GC-G.
Other names: c.723delG (NM_001852.3); short protein forms K243fs.
Identifiers: ClinVar variation 1187495 (VCV001187495.5), dbSNP rs1376330691, ClinGen allele CA735733893.
Genomic context (GRCh38, chr1:40,310,278, plus strand): 5'-AGGCAGCTCCTGGAAGCTCTTGTAGAACACCCCAAGATTCACTTACCGTCTCTCCCTTGG[GC>G]CCTGCCATGCCTGGGTAGCCCCTGATGCCCTGGGGACCCTGTTGAGAAAGAAAAATGACA-3'

ClinVar aggregate classification (germline): Pathogenic. Review status: criteria provided, multiple submitters, no conflicts (2 of 4 stars). 2 submissions from 2 submitters: Pathogenic (2). Last evaluated 2025-06-18.

Submissions (2):

Labcorp Genetics (formerly Invitae), Labcorp
Classification: Pathogenic. Last evaluated: 2025-06-18. Review status: criteria provided, single submitter. Criteria: Invitae Variant Classification Sherloc (09022015). Collection method: clinical testing. Allele origin: germline.
Comment: This sequence change creates a premature translational stop signal (p.Lys243Argfs*75) in the COL9A2 gene. It is expected to result in an absent or disrupted protein product. Loss-of-function variants in COL9A2 are known to be pathogenic (PMID: 21671392, 33356723). This variant is not present in population databases (gnomAD no frequency). This variant has not been reported in the literature in individuals affected with COL9A2-related conditions. ClinVar contains an entry for this variant (Variation ID: 1187495). For these reasons, this variant has been classified as Pathogenic.

GeneDx
Classification: Pathogenic. Last evaluated: 2022-03-08. Review status: criteria provided, single submitter. Criteria: GeneDx Variant Classification Process June 2021. Collection method: clinical testing. Allele origin: germline. Affected: yes.
Comment: Frameshift variant predicted to result in protein truncation or nonsense mediated decay in a gene for which loss-of-function is a known mechanism of disease; Not observed in large population cohorts (gnomAD); Has not been previously published as pathogenic or benign to our knowledge

Literature cited by the submitters: PubMed 21671392 (cited by Labcorp Genetics (formerly Invitae), Labcorp); PubMed 33356723 (cited by Labcorp Genetics (formerly Invitae), Labcorp).